The following is an entry in ClinVar:

ClinVar aggregate classification (germline): Pathogenic (1 of 4 stars; one submission).

Conditions:
Ataxia-telangiectasia syndrome (AT). Also called: Ataxia-telangiectasia; AT, COMPLEMENTATION GROUP C; ATAXIA-TELANGIECTASIA, COMPLEMENTATION GROUP A; ATAXIA-TELANGIECTASIA, FRESNO VARIANT; Ataxia-telangiectasia, complementation group E; LOUIS-BAR SYNDROME. Identifiers: Orphanet 100, MedGen C0004135, MONDO:0008840, OMIM 208900.

Submission:

Labcorp Genetics (formerly Invitae), Labcorp
Classification: Pathogenic for Ataxia-telangiectasia syndrome. Last evaluated: 2022-03-17. Review status: criteria provided, single submitter. Criteria: Invitae Variant Classification Sherloc (09022015). Collection method: clinical testing. Allele origin: germline.
Comment: This sequence change creates a premature translational stop signal (p.Ser99Ilefs*17) in the ATM gene. It is expected to result in an absent or disrupted protein product. Loss-of-function variants in ATM are known to be pathogenic (PMID: 23807571, 25614872). This variant is not present in population databases (gnomAD no frequency). For these reasons, this variant has been classified as Pathogenic. This variant has not been reported in the literature in individuals affected with ATM-related conditions.

Literature cited by the submitters: PubMed 23807571; PubMed 25614872.

NM_000051.4(ATM):c.296del (p.Ser99fs)

Gene: ATM (ATM serine/threonine kinase; plus strand). Cytogenetic location: 11q22.3.
Variant type: Deletion.
Coding change: c.296del on transcript NM_000051.4 (MANE Select); coding-DNA position 296, one base deleted (G; older notation c.296delG).
Protein change: p.Ser99fs; shifts the reading frame from serine 99.
Molecular consequence: frameshift variant.
Genome position (GRCh38, 1-based): chr11:108,229,288, G deleted. VCF-style (leftmost placement, unchanged base first): chr11-108229287-AG-A. GRCh37 (hg19) VCF-style: chr11-108100014-AG-A.
Other names: c.296del, p.Ser99fs (NM_001351834.2, NM_001351835.2, NM_001351836.2); short protein forms S99fs.
Identifiers: ClinVar variation 2113244 (VCV002113244.4), dbSNP rs2496922933, ClinGen allele CA2580083173.